The following is an entry in ClinVar:

ClinVar aggregate classification (germline): Uncertain significance (1 of 4 stars; one submission).

Submission:

GeneDx
Classification: Uncertain significance. Last evaluated: 2022-02-08. Review status: criteria provided, single submitter. Criteria: GeneDx Variant Classification Process June 2021. Collection method: clinical testing. Allele origin: germline. Affected: yes.
Comment: Not observed at significant frequency in large population cohorts (gnomAD); In silico analysis supports that this missense variant has a deleterious effect on protein structure/function; Has not been previously published as pathogenic or benign to our knowledge

NM_001039591.3(USP9X):c.6191G>A (p.Arg2064His)

Gene: USP9X (ubiquitin specific peptidase 9 X-linked; plus strand). Cytogenetic location: Xp11.4.
Variant type: single nucleotide variant.
Coding change: c.6191G>A on transcript NM_001039591.3 (MANE Select); coding-DNA position 6191, G replaced by A.
Protein change: p.Arg2064His; replaces arginine 2064 with histidine.
Molecular consequence: missense variant.
Genome position (GRCh38, 1-based): chrX:41,217,325, G>A. VCF-style: chrX-41217325-G-A. GRCh37 (hg19) VCF-style: chrX-41076578-G-A.
Other names: c.6191G>A, p.Arg2064His (NM_001039590.3); short protein forms R2064H.
Identifiers: ClinVar variation 1700557 (VCV001700557.2), dbSNP rs2147248466, ClinGen allele CA412799224.